The following is an entry in ClinVar:

ClinVar aggregate classification (germline): Benign. Review status: criteria provided, multiple submitters, no conflicts (2 of 4 stars). 2 submissions from 2 submitters: Benign (2). Last evaluated 2018-06-14.

Allele frequency attached by ClinVar (database versions not stated): gnomAD exomes 0.17510; gnomAD 0.26156 and 0.26675; 1000 Genomes Project 0.27416; 1000 Genomes Project 30x 0.28170; TOPMed 0.28263.
gnomAD v4.1: 112,424 of 562,596 alleles (20%); highest among the groups gnomAD compares: African/African-American, 50%; 14,553 homozygotes.

Submissions (2):

GeneDx
Classification: Benign. Last evaluated: 2018-06-14. Review status: criteria provided, single submitter. Criteria: GeneDx Variant Classification (06012015). Collection method: clinical testing. Allele origin: germline. Affected: yes.
Comment: This variant is considered likely benign or benign based on one or more of the following criteria: it is a conservative change, it occurs at a poorly conserved position in the protein, it is predicted to be benign by multiple in silico algorithms, and/or has population frequency not consistent with disease.

Breakthrough Genomics
Classification: Benign. Review status: criteria provided, single submitter. Criteria: ACMG Guidelines, 2015. Collection method: not provided. Allele origin: germline. Inheritance: Autosomal recessive inheritance. Affected: yes.

NM_006736.6(DNAJB2):c.176-244G>T

Gene: DNAJB2 (DnaJ heat shock protein family (Hsp40) member B2; plus strand). Cytogenetic location: 2q35.
Variant type: single nucleotide variant.
Coding change: c.176-244G>T on transcript NM_006736.6 (MANE Select); 244 bases into the intron before coding-DNA position 176, G replaced by T.
Molecular consequence: intron variant.
Genome position (GRCh38, 1-based): chr2:219,281,474, G>T. VCF-style: chr2-219281474-G-T. GRCh37 (hg19) VCF-style: chr2-220146196-G-T.
Other names: c.176-244G>T (NM_001039550.2).
Identifiers: ClinVar variation 680750 (VCV000680750.2), dbSNP rs6730612, ClinGen allele CA11098362.